The following is an entry in ClinVar:

NM_032575.3(GLIS2):c.1393C>G (p.Leu465Val)

Gene: GLIS2 (GLIS family zinc finger 2; plus strand). Cytogenetic location: 16p13.3.
Variant type: single nucleotide variant.
Coding change: c.1393C>G on transcript NM_032575.3 (MANE Select); coding-DNA position 1393, C replaced by G.
Protein change: p.Leu465Val; replaces leucine 465 with valine.
Molecular consequence: missense variant.
Genome position (GRCh38, 1-based): chr16:4,337,342, C>G. VCF-style: chr16-4337342-C-G. GRCh37 (hg19) VCF-style: chr16-4387343-C-G.
Other names: c.1393C>G, p.Leu465Val (NM_001318918.2); c.1393C>G (NM_032575.2); short protein forms L465V.
Identifiers: ClinVar variation 2862567 (VCV002862567.7), dbSNP rs774316267, ClinGen allele CA7873253.
Genomic context (GRCh38, chr16:4,337,342, plus strand): 5'-GAGAAGGGGCGTGGGTCGGTGCCCACCAGGGCCCTGGGCATGGAGGGCCACAAGACGCCC[C>G]TTGAAAGGACGGAGAGCAGCTGCTCCCGGCCAAGCCCCGATGGACTCCCCCTGCTGCCAG-3'
Protein context (NP_115964.2, residues 455-475): ALGMEGHKTP[Leu465Val]ERTESSCSRP

ClinVar aggregate classification (germline): Uncertain significance. Review status: criteria provided, multiple submitters, no conflicts (2 of 4 stars). 5 submissions from 5 submitters: Uncertain significance (4). 1 of the submissions does not count toward it. Last evaluated 2024-04-19.

Conditions:
GLIS2-related disorder. Also called: GLIS2-related condition.
Nephronophthisis 7 (NPHP7). Identifiers: Orphanet 655, MedGen C1969092, MONDO:0012680, OMIM 611498.
Nephronophthisis. Also called: Juvenile Nephronophthisis. Identifiers: Orphanet 655, MedGen C0687120, MONDO:0019005, HP:0000090.

gnomAD v4.1: 109 of 1,588,758 alleles (0.0069%); highest among the groups gnomAD compares: Non-Finnish European, 0.0086%; no homozygotes.

Submissions (5):

GeneDx
Classification: Uncertain significance. Last evaluated: 2024-04-19. Review status: criteria provided, single submitter. Criteria: GeneDx Variant Classification Process June 2021. Collection method: clinical testing. Allele origin: germline. Affected: yes.
Comment: In silico analysis indicates that this missense variant does not alter protein structure/function; Has not been previously published as pathogenic or benign to our knowledge

Ambry Genetics
Classification: Uncertain significance. Last evaluated: 2024-03-31. Review status: criteria provided, single submitter. Criteria: Ambry Variant Classification Scheme 2023. Collection method: clinical testing. Allele origin: germline.

Fulgent Genetics
Classification: Uncertain significance for Nephronophthisis 7. Last evaluated: 2024-03-06. Review status: criteria provided, single submitter. Criteria: ACMG Guidelines, 2015. Collection method: clinical testing. Allele origin: germline.

Labcorp Genetics (formerly Invitae), Labcorp
Classification: Uncertain significance for Nephronophthisis. Last evaluated: 2023-07-09. Review status: criteria provided, single submitter. Criteria: Invitae Variant Classification Sherloc (09022015). Collection method: clinical testing. Allele origin: germline.
Comment: This variant has not been reported in the literature in individuals affected with GLIS2-related conditions. Experimental studies and prediction algorithms are not available or were not evaluated, and the functional significance of this variant is currently unknown. In summary, the available evidence is currently insufficient to determine the role of this variant in disease. Therefore, it has been classified as a Variant of Uncertain Significance. This sequence change replaces leucine, which is neutral and non-polar, with valine, which is neutral and non-polar, at codon 465 of the GLIS2 protein (p.Leu465Val). The frequency data for this variant in the population databases is considered unreliable, as metrics indicate poor data quality at this position in the gnomAD database.

PreventionGenetics, part of Exact Sciences
Classification: Uncertain significance for GLIS2-related condition. Last evaluated: 2024-03-11. Review status: no assertion criteria provided. Collection method: clinical testing. Allele origin: germline. Not counted in ClinVar's aggregate classification.
Comment: The GLIS2 c.1393C>G variant is predicted to result in the amino acid substitution p.Leu465Val. To our knowledge, this variant has not been reported in the literature. This variant is reported in 0.021% of alleles in individuals of European (Non-Finnish) descent in gnomAD. At this time, the clinical significance of this variant is uncertain due to the absence of conclusive functional and genetic evidence.